The following is an entry in ClinVar:

NM_002234.4(KCNA5):c.1A>G (p.Met1Val)

Gene: KCNA5 (potassium voltage-gated channel subfamily A member 5; plus strand). Cytogenetic location: 12p13.32.
Variant type: single nucleotide variant.
Coding change: c.1A>G on transcript NM_002234.4 (MANE Select); coding-DNA position 1, A replaced by G.
Protein change: p.Met1Val; changes the start codon (methionine 1).
Molecular consequence: missense variant, initiator codon variant.
Genome position (GRCh38, 1-based): chr12:5,044,148, A>G. VCF-style: chr12-5044148-A-G. GRCh37 (hg19) VCF-style: chr12-5153314-A-G.
Other names: short protein forms M1V.
Identifiers: ClinVar variation 858451 (VCV000858451.9), dbSNP rs889711431, ClinGen allele CA231866707.

ClinVar aggregate classification (germline): Uncertain significance. Review status: criteria provided, multiple submitters, no conflicts (2 of 4 stars). 2 submissions from 2 submitters: Uncertain significance (2). Last evaluated 2025-06-14.

Conditions:
Atrial fibrillation, familial, 7 (ATFB7). Identifiers: MedGen C2677106, MONDO:0012828, OMIM 612240.

Allele frequency attached by ClinVar (database versions not stated): gnomAD exomes below 0.00001 and 0.00002; TOPMed 0.00002; gnomAD 0.00003.

Submissions (2):

Labcorp Genetics (formerly Invitae), Labcorp
Classification: Uncertain significance for Atrial fibrillation, familial, 7. Last evaluated: 2025-06-14. Review status: criteria provided, single submitter. Criteria: Invitae Variant Classification Sherloc (09022015). Collection method: clinical testing. Allele origin: germline.
Comment: This sequence change affects the initiator codon of the KCNA5 mRNA. This change may impact translation initiation or efficiency. The next in-frame methionine is located at codon 14. This variant is present in population databases (no rsID available, gnomAD 0.03%). This variant has not been reported in the literature in individuals affected with KCNA5-related conditions. ClinVar contains an entry for this variant (Variation ID: 858451). Experimental studies and prediction algorithms are not available or were not evaluated, and the functional significance of this variant is currently unknown. In summary, the available evidence is currently insufficient to determine the role of this variant in disease. Therefore, it has been classified as a Variant of Uncertain Significance.

Fulgent Genetics
Classification: Uncertain significance for Atrial fibrillation, familial, 7. Last evaluated: 2021-08-05. Review status: criteria provided, single submitter. Criteria: ACMG Guidelines, 2015. Collection method: clinical testing. Allele origin: unknown.